The following is an entry in ClinVar:

NM_001367479.1(DNAH14):c.13274A>G (p.Asn4425Ser)

Gene: DNAH14 (dynein axonemal heavy chain 14; plus strand). Cytogenetic location: 1q42.12.
Variant type: single nucleotide variant.
Coding change: c.13274A>G on transcript NM_001367479.1 (MANE Select); coding-DNA position 13274, A replaced by G.
Protein change: p.Asn4425Ser; replaces asparagine 4425 with serine.
Molecular consequence: missense variant.
Genome position (GRCh38, 1-based): chr1:225,389,817, A>G. VCF-style: chr1-225389817-A-G. GRCh37 (hg19) VCF-style: chr1-225577519-A-G.
Other names: NM_001373.1:c.12968A>G; short protein forms N4425S.
Identifiers: ClinVar variation 3370147 (VCV003370147.1).

ClinVar aggregate classification (germline): Uncertain significance (1 of 4 stars; one submission).

gnomAD v4.1: 6 of 1,551,760 alleles (0.00039%); highest among the groups gnomAD compares: African/African-American, 0.0068%; no homozygotes.

Submission:

GeneDx
Classification: Uncertain significance. Last evaluated: 2023-12-30. Review status: criteria provided, single submitter. Criteria: GeneDx Variant Classification Process June 2021. Collection method: clinical testing. Allele origin: germline. Affected: yes.
Comment: Not observed at significant frequency in large population cohorts (gnomAD); In silico analysis supports that this missense variant does not alter protein structure/function; Has not been previously published as pathogenic or benign to our knowledge